The following is an entry in ClinVar:

NM_012414.4(RAB3GAP2):c.1856C>T (p.Thr619Ile)

Gene: RAB3GAP2 (RAB3 GTPase activating non-catalytic protein subunit 2; minus strand). Cytogenetic location: 1q41.
Variant type: single nucleotide variant.
Coding change: c.1856C>T on transcript NM_012414.4 (MANE Select); coding-DNA position 1856, C replaced by T.
Protein change: p.Thr619Ile; replaces threonine 619 with isoleucine.
Molecular consequence: missense variant.
Genome position (GRCh38, 1-based): chr1:220,185,665, G>A on the plus strand (C>T on the coding strand, the complement: RAB3GAP2 is on the minus strand). VCF-style: chr1-220185665-G-A. GRCh37 (hg19) VCF-style: chr1-220359007-G-A.
Other names: c.1856C>T (NM_012414.3); short protein forms T619I.
Identifiers: ClinVar variation 1519259 (VCV001519259.4), dbSNP rs146728785, ClinGen allele CA1402581.
Genomic context (GRCh38, chr1:220,185,665, plus strand): 5'-AATTTGAGTTAAGAACATAACCTCCAATCAGTACAAACCCTATTACCTTGACTTTTTAAA[G>A]TGTCCATTAAAGTCTGAGTGATGTTTCTAAGGCAAGAAAATGGTAAACGTTCACTTGCCA-3'
Protein context (NP_036546.2, residues 609-629): LRNITQTLMD[Thr619Ile]LKSQELESVD

ClinVar aggregate classification (germline): Uncertain significance. Review status: criteria provided, multiple submitters, no conflicts (2 of 4 stars). 2 submissions from 2 submitters: Uncertain significance (2). Last evaluated 2025-04-09.

Conditions:
Martsolf syndrome (MARTS). Also called: Congenital cataract with intellectual disability and hypogonadotropic hypogonadism syndrome. Identifiers: Orphanet 1387, MedGen C0796037, MONDO:0023910.
Warburg micro syndrome 2 (WARBM2). Also called: MICRO SYNDROME 2. Identifiers: Orphanet 2510, MedGen C3280214, MONDO:0013641, OMIM 614225.
Inborn genetic diseases. Identifiers: MedGen C0950123, MeSH D030342.

Allele frequency attached by ClinVar (database versions not stated): gnomAD exomes 0.00001 and 0.00004; ExAC 0.00007; ESP Exome Variant Server 0.00008; TOPMed 0.00009; gnomAD 0.00012 and 0.00013; 1000 Genomes Project 30x 0.00016; 1000 Genomes Project 0.00020.
gnomAD v4.1: 35 of 1,610,066 alleles (0.0022%); highest among the groups gnomAD compares: African/African-American, 0.039%; no homozygotes.

Submissions (2):

Ambry Genetics
Classification: Uncertain significance for Inborn genetic diseases. Last evaluated: 2025-04-09. Review status: criteria provided, single submitter. Criteria: Ambry Variant Classification Scheme 2023. Collection method: clinical testing. Allele origin: germline.

Labcorp Genetics (formerly Invitae), Labcorp
Classification: Uncertain significance for Martsolf syndrome; Warburg micro syndrome 2. Last evaluated: 2022-07-06. Review status: criteria provided, single submitter. Criteria: Invitae Variant Classification Sherloc (09022015). Collection method: clinical testing. Allele origin: germline.
Comment: This sequence change replaces threonine, which is neutral and polar, with isoleucine, which is neutral and non-polar, at codon 619 of the RAB3GAP2 protein (p.Thr619Ile). This variant is present in population databases (rs146728785, gnomAD 0.06%). This variant has not been reported in the literature in individuals affected with RAB3GAP2-related conditions. ClinVar contains an entry for this variant (Variation ID: 1519259). Algorithms developed to predict the effect of missense changes on protein structure and function (SIFT, PolyPhen-2, Align-GVGD) all suggest that this variant is likely to be tolerated. In summary, the available evidence is currently insufficient to determine the role of this variant in disease. Therefore, it has been classified as a Variant of Uncertain Significance.